The following is an entry in ClinVar:

ClinVar aggregate classification (germline): Uncertain significance (1 of 4 stars; one submission).

Submission:

GeneDx
Classification: Uncertain significance. Last evaluated: 2024-02-03. Review status: criteria provided, single submitter. Criteria: GeneDx Variant Classification Process June 2021. Collection method: clinical testing. Allele origin: germline. Affected: yes.
Comment: Not observed at significant frequency in large population cohorts (gnomAD); In silico analysis supports that this missense variant has a deleterious effect on protein structure/function; Has not been previously published as pathogenic or benign to our knowledge

NM_001165963.4(SCN1A):c.1712G>C (p.Arg571Thr)

Gene: SCN1A (sodium voltage-gated channel alpha subunit 1; minus strand). Cytogenetic location: 2q24.3.
Variant type: single nucleotide variant.
Coding change: c.1712G>C on transcript NM_001165963.4 (MANE Select); coding-DNA position 1712, G replaced by C.
Protein change: p.Arg571Thr; replaces arginine 571 with threonine.
Molecular consequence: missense variant. On other transcripts: 5 prime UTR variant (1), non-coding transcript variant (1).
Genome position (GRCh38, 1-based): chr2:166,044,000, C>G on the plus strand (G>C on the coding strand, the complement: SCN1A is on the minus strand). VCF-style: chr2-166044000-C-G. GRCh37 (hg19) VCF-style: chr2-166900510-C-G.
Other names: c.1712G>C, p.Arg571Thr (NM_001165964.3, NM_001202435.3, NM_001353948.2 and 7 more transcripts); c.1709G>C, p.Arg570Thr (NM_001353954.2, NM_001353955.2, NM_001353960.2); c.-714G>C (NM_001353961.2); short protein forms R570T, R571T.
Identifiers: ClinVar variation 3368711 (VCV003368711.1).